The following is an entry in ClinVar:

ClinVar aggregate classification (germline): Pathogenic/Likely pathogenic. Review status: criteria provided, multiple submitters, no conflicts (2 of 4 stars). 3 submissions from 3 submitters: Pathogenic (1); Likely pathogenic (1). 1 of the submissions does not count toward it. Last evaluated 2020-09-14.

Conditions:
Desmin-related myofibrillar myopathy (MFM1). Also called: MYOFIBRILLAR MYOPATHY WITH ARRHYTHMOGENIC RIGHT VENTRICULAR CARDIOMYOPATHY; DESMIN-RELATED MYOPATHY WITH ARRHYTHMOGENIC RIGHT VENTRICULAR CARDIOMYOPATHY; Desminopathy; Desmin related myopathy (former name); Desmin storage myopathy (former name); Myofibrillar myopathy 1. Identifiers: Orphanet 363543, Orphanet 98909, MedGen C1832370, MONDO:0011076, OMIM 601419.
DES-related disorders.

Submissions (3):

Labcorp Genetics (formerly Invitae), Labcorp
Classification: Pathogenic for Desmin-related myofibrillar myopathy. Last evaluated: 2020-09-14. Review status: criteria provided, single submitter. Criteria: Invitae Variant Classification Sherloc (09022015). Collection method: clinical testing. Allele origin: germline.
Comment: This sequence change creates a premature translational stop signal (p.Gln172*) in the DES gene. It is expected to result in an absent or disrupted protein product. The frequency data for this variant in the population databases is considered unreliable, as metrics indicate insufficient coverage at this position in the ExAC database. This variant has not been reported in the literature in individuals with DES-related conditions. ClinVar contains an entry for this variant (Variation ID: 575355). Loss-of-function variants in DES are known to be pathogenic (PMID: 23575897). For these reasons, this variant has been classified as Pathogenic.

Blueprint Genetics
Classification: Likely pathogenic for DES-related disorders. Last evaluated: 2018-09-26. Review status: criteria provided, single submitter. Criteria: ACMG Guidelines, 2015. Collection method: clinical testing. Allele origin: germline. Affected: yes. Observed: 1 variant allele.

Molecular Genetics Laboratory, BC Children's and BC Women's Hospitals
Classification: Likely pathogenic for Desmin-related myofibrillar myopathy. Last evaluated: 2025-11-25. Review status: no assertion criteria provided. Criteria: ACMG Guidelines, 2015. Collection method: clinical testing. Allele origin: maternal. Affected: yes. Not counted in ClinVar's aggregate classification.

Literature cited by the submitters: PubMed 23575897 (cited by Labcorp Genetics (formerly Invitae), Labcorp).

NM_001927.4(DES):c.514C>T (p.Gln172Ter)

Gene: DES (desmin; plus strand). Cytogenetic location: 2q35.
Variant type: single nucleotide variant.
Coding change: c.514C>T on transcript NM_001927.4 (MANE Select); coding-DNA position 514, C replaced by T.
Protein change: p.Gln172Ter; replaces glutamine 172 with a stop codon.
Molecular consequence: nonsense.
Genome position (GRCh38, 1-based): chr2:219,418,976, C>T. VCF-style: chr2-219418976-C-T. GRCh37 (hg19) VCF-style: chr2-220283698-C-T.
Other names: c.514C>T (LRG_380t1); short protein forms Q172*.
Identifiers: ClinVar variation 575355 (VCV000575355.11), dbSNP rs1559352440, ClinGen allele CA350686786.
Genomic context (GRCh38, chr2:219,418,976, plus strand): 5'-GCCGAGCTCTACGAGGAGGAGCTGCGGGAGCTGCGGCGCCAGGTGGAGGTGCTCACTAAC[C>T]AGCGCGCGCGCGTCGACGTCGAGCGCGACAACCTGCTCGACGACCTGCAGCGGCTCAAGG-3'